The following is an entry in ClinVar:

ClinVar aggregate classification (germline): Uncertain significance (1 of 4 stars; one submission).

gnomAD v4.1: 1 of 1,614,040 alleles (0.000062%); highest among the groups gnomAD compares: Admixed American, 0.0017%; no homozygotes.

Submission:

Labcorp Genetics (formerly Invitae), Labcorp
Classification: Uncertain significance. Last evaluated: 2025-02-18. Review status: criteria provided, single submitter. Criteria: Invitae Variant Classification Sherloc (09022015). Collection method: clinical testing. Allele origin: germline.
Comment: This sequence change replaces arginine, which is basic and polar, with proline, which is neutral and non-polar, at codon 266 of the KIF22 protein (p.Arg266Pro). This variant is not present in population databases (gnomAD no frequency). This variant has not been reported in the literature in individuals affected with KIF22-related conditions. Invitae Evidence Modeling of protein sequence and biophysical properties (such as structural, functional, and spatial information, amino acid conservation, physicochemical variation, residue mobility, and thermodynamic stability) indicates that this missense variant is not expected to disrupt KIF22 protein function with a negative predictive value of 80%. In summary, the available evidence is currently insufficient to determine the role of this variant in disease. Therefore, it has been classified as a Variant of Uncertain Significance.

NM_007317.3(KIF22):c.797G>C (p.Arg266Pro)

Gene: KIF22 (kinesin family member 22; plus strand). Cytogenetic location: 16p11.2.
Variant type: single nucleotide variant.
Coding change: c.797G>C on transcript NM_007317.3 (MANE Select); coding-DNA position 797, G replaced by C.
Protein change: p.Arg266Pro; replaces arginine 266 with proline.
Molecular consequence: missense variant.
Genome position (GRCh38, 1-based): chr16:29,799,301, G>C. VCF-style: chr16-29799301-G-C. GRCh37 (hg19) VCF-style: chr16-29810622-G-C.
Other names: c.593G>C, p.Arg198Pro (NM_001256269.2, NM_001256270.1); short protein forms R198P, R266P.
Identifiers: ClinVar variation 4798182 (VCV004798182.1).
Genomic context (GRCh38, chr16:29,799,301, plus strand): 5'-GAGACCTTTGTTCTTACCCCCAGGTGGACCAGCGGGAACGTTTGGCCCCATTTCGCCAGC[G>C]AGAGGGAAAACTCTACCTGATTGACTTGGCTGGGTCAGAGGACAACCGGCGCACAGGCAA-3'
Protein context (NP_015556.1, residues 256-276): QRERLAPFRQ[Arg266Pro]EGKLYLIDLA